The following is an entry in ClinVar:

NM_016360.4(TACO1):c.618C>T (p.Ala206=)

Gene: TACO1 (translational activator of cytochrome c oxidase I; plus strand). Cytogenetic location: 17q23.3.
Variant type: single nucleotide variant.
Coding change: c.618C>T on transcript NM_016360.4 (MANE Select); coding-DNA position 618, C replaced by T.
Protein change: p.Ala206=; no amino-acid change (alanine 206 retained).
Molecular consequence: synonymous variant.
Genome position (GRCh38, 1-based): chr17:63,607,389, C>T. VCF-style: chr17-63607389-C-T. GRCh37 (hg19) VCF-style: chr17-61684749-C-T.
Identifiers: ClinVar variation 1245212 (VCV001245212.12), dbSNP rs554362236, ClinGen allele CA8702188.
Genomic context (GRCh38, chr17:63,607,389, plus strand): 5'-GGGGGTGATTGTGGTTGAAGTGGAGGACAGAGAGAAGAAGGCTGTGAACCTAGAGCGTGC[C>T]CTGGAGATGGCAATCGAAGCAGGAGCTGAGGATGTCAAGGAAACTGAAGATGAAGAAGAA-3'
Protein context (NP_057444.2, residues 196-216): REKKAVNLER[Ala206=]LEMAIEAGAE

ClinVar aggregate classification (germline): Likely benign. Review status: criteria provided, multiple submitters, no conflicts (2 of 4 stars). 3 submissions from 3 submitters: Likely benign (2). 1 of the submissions does not count toward it. Last evaluated 2022-11-01.

Conditions:
TACO1-related disorder. Also called: TACO1-related condition.

Allele frequency attached by ClinVar (database versions not stated): TOPMed below 0.00001; gnomAD 0.00004; gnomAD exomes 0.00006 and 0.00010; ExAC 0.00011; 1000 Genomes Project 30x 0.00016; 1000 Genomes Project 0.00020.
gnomAD v4.1: 101 of 1,614,066 alleles (0.0063%); highest among the groups gnomAD compares: South Asian, 0.1%; 1 homozygote.

Submissions (3):

Labcorp Genetics (formerly Invitae), Labcorp
Classification: Likely benign. Last evaluated: 2022-11-01. Review status: criteria provided, single submitter. Criteria: Invitae Variant Classification Sherloc (09022015). Collection method: clinical testing. Allele origin: germline.

GeneDx
Classification: Likely benign. Last evaluated: 2020-09-04. Review status: criteria provided, single submitter. Criteria: GeneDx Variant Classification Process June 2021. Collection method: clinical testing. Allele origin: germline. Affected: yes.

PreventionGenetics, part of Exact Sciences
Classification: Likely benign for TACO1-related condition. Last evaluated: 2019-06-05. Review status: no assertion criteria provided. Collection method: clinical testing. Allele origin: germline. Not counted in ClinVar's aggregate classification.
Comment: This variant is classified as likely benign based on ACMG/AMP sequence variant interpretation guidelines (Richards et al. 2015 PMID: 25741868, with internal and published modifications).